The following is an entry in ClinVar:

NM_001372.4(DNAH9):c.8724C>T (p.Leu2908=)

Gene: DNAH9 (dynein axonemal heavy chain 9; plus strand). Cytogenetic location: 17p12.
Variant type: single nucleotide variant.
Coding change: c.8724C>T on transcript NM_001372.4 (MANE Select); coding-DNA position 8724, C replaced by T.
Protein change: p.Leu2908=; no amino-acid change (leucine 2908 retained).
Molecular consequence: synonymous variant.
Genome position (GRCh38, 1-based): chr17:11,821,936, C>T. VCF-style: chr17-11821936-C-T. GRCh37 (hg19) VCF-style: chr17-11725253-C-T.
Other names: c.8724C>T (NM_001372.3).
Identifiers: ClinVar variation 2063081 (VCV002063081.6), dbSNP rs143289947, ClinGen allele CA8397028.
Genomic context (GRCh38, chr17:11,821,936, plus strand): 5'-AACGAGATGCCAAGGCTGCCTATCTGTGCTCCATTTTTTCCCAGGGGAGATCCCAGATCT[C>T]TACTCTGATGATGAAGTTGAAAACATCATAAGCAATGTGAGGAATGAAGTCAAGAGCCAG-3'
Protein context (NP_001363.2, residues 2898-2918): DLLASGEIPD[Leu2908=]YSDDEVENII

ClinVar aggregate classification (germline): Likely benign. Review status: criteria provided, single submitter (1 of 4 stars). 2 submissions from 2 submitters: Likely benign (1). 1 of the submissions does not count toward it. Last evaluated 2025-08-19.

Conditions:
DNAH9-related disorder. Also called: DNAH9-related condition.

Allele frequency attached by ClinVar (database versions not stated): ExAC 0.00009; TOPMed 0.00010; gnomAD 0.00013; gnomAD exomes 0.00018; ESP Exome Variant Server 0.00023.
gnomAD v4.1: 283 of 1,613,476 alleles (0.018%); highest among the groups gnomAD compares: Non-Finnish European, 0.022%; no homozygotes.

Submissions (2):

Labcorp Genetics (formerly Invitae), Labcorp
Classification: Likely benign. Last evaluated: 2025-08-19. Review status: criteria provided, single submitter. Criteria: Invitae Variant Classification Sherloc (09022015). Collection method: clinical testing. Allele origin: germline.

PreventionGenetics, part of Exact Sciences
Classification: Likely benign for DNAH9-related condition. Last evaluated: 2019-10-28. Review status: no assertion criteria provided. Collection method: clinical testing. Allele origin: germline. Not counted in ClinVar's aggregate classification.
Comment: This variant is classified as likely benign based on ACMG/AMP sequence variant interpretation guidelines (Richards et al. 2015 PMID: 25741868, with internal and published modifications).